The following is an entry in ClinVar:

ClinVar aggregate classification (germline): Likely benign (1 of 4 stars; one submission).

Allele frequency attached by ClinVar (database versions not stated): gnomAD 0.00001; TOPMed 0.00001 and below 0.00001; ESP Exome Variant Server 0.00008; gnomAD exomes 0.00001.
gnomAD v4.1: 19 of 1,613,326 alleles (0.0012%); highest among the groups gnomAD compares: Non-Finnish European, 0.0016%; no homozygotes.

Submission:

GeneDx
Classification: Likely benign. Last evaluated: 2015-02-02. Review status: criteria provided, single submitter. Criteria: GeneDx Variant Classification (06012015). Collection method: clinical testing. Allele origin: germline. Affected: yes.
Comment: This variant is considered likely benign or benign based on one or more of the following criteria: it is a conservative change, it occurs at a poorly conserved position in the protein, it is predicted to be benign by multiple in silico algorithms, and/or has population frequency not consistent with disease.

NM_001151.4(SLC25A4):c.499T>A (p.Ser167Thr)

Gene: SLC25A4 (solute carrier family 25 member 4; plus strand). Cytogenetic location: 4q35.1.
Variant type: single nucleotide variant.
Coding change: c.499T>A on transcript NM_001151.4 (MANE Select); coding-DNA position 499, T replaced by A.
Protein change: p.Ser167Thr; replaces serine 167 with threonine.
Molecular consequence: missense variant.
Genome position (GRCh38, 1-based): chr4:185,145,151, T>A. VCF-style: chr4-185145151-T-A. GRCh37 (hg19) VCF-style: chr4-186066305-T-A.
Other names: p.S167T:TCT>ACT; short protein forms S167T.
Identifiers: ClinVar variation 215169 (VCV000215169.1), dbSNP rs375855227, ClinGen allele CA322029.